The following is an entry in ClinVar:

ClinVar aggregate classification (germline): Benign. Review status: criteria provided, multiple submitters, no conflicts (2 of 4 stars). 12 submissions from 10 submitters: Benign (9). 3 of the submissions do not count toward it. Last evaluated 2026-06-22.

Conditions:
Walker-Warburg congenital muscular dystrophy. Also called: Muscular dystrophy-dystroglycanopathy, type A; Walker-Warburg syndrome. Identifiers: Orphanet 899, MedGen C0265221, MONDO:0000171.
Autosomal recessive limb-girdle muscular dystrophy type 2K. Also called: MUSCULAR DYSTROPHY-DYSTROGLYCANOPATHY (LIMB-GIRDLE), TYPE C, 1; MUSCULAR DYSTROPHY, LIMB-GIRDLE, TYPE 2K. Identifiers: Orphanet 86812, MedGen C1836373, MONDO:0012248, OMIM 609308.
Muscular dystrophy-dystroglycanopathy (congenital with impaired intellectual development), type B, 1. Also called: MUSCULAR DYSTROPHY, CONGENITAL, POMT1-RELATED; Muscular dystrophy-dystroglycanopathy (congenital with intellectual disability), type B1. Identifiers: MedGen C5436962, MONDO:0013159, OMIM 613155.
Muscular dystrophy-dystroglycanopathy (congenital with brain and eye anomalies), type A1 (MDDGA1). Also called: WALKER-WARBURG SYNDROME OR MUSCLE-EYE-BRAIN DISEASE, POMT1-RELATED; Hydrocephalus, agyria and retinal dysplasia; Hard +/- E syndrome; Warburg syndrome; Chemke syndrome; Pagon syndrome. Identifiers: Orphanet 588, Orphanet 899, MedGen C4284790, MONDO:0009364, OMIM 236670.

Allele frequency attached by ClinVar (database versions not stated): 1000 Genomes Project 30x 0.86696; TOPMed 0.86890; 1000 Genomes Project 0.87081; ESP Exome Variant Server 0.88052; gnomAD 0.88273 and 0.88715; ExAC 0.92319; gnomAD exomes 0.92380.
gnomAD v4.1: 1,516,689 of 1,613,944 alleles (94%); highest among the groups gnomAD compares: South Asian, 97%; 714,925 homozygotes.

Submissions (12):

Women's Health and Genetics/Laboratory Corporation of America, LabCorp
Classification: Benign. Last evaluated: 2026-06-22. Review status: criteria provided, single submitter. Criteria: LabCorp Variant Classification Summary - May 2015. Collection method: clinical testing. Allele origin: germline.

Labcorp Genetics (formerly Invitae), Labcorp
Classification: Benign for Muscular dystrophy-dystroglycanopathy (congenital with impaired intellectual development), type B, 1; Walker-Warburg congenital muscular dystrophy; Autosomal recessive limb-girdle muscular dystrophy type 2K. Last evaluated: 2026-02-04. Review status: criteria provided, single submitter. Criteria: Invitae Variant Classification Sherloc (09022015). Collection method: clinical testing. Allele origin: germline.

Blueprint Genetics
Classification: Benign. Last evaluated: 2024-11-27. Review status: criteria provided, single submitter. Criteria: ACMG Guidelines, 2015. Collection method: clinical testing. Allele origin: germline.

Genome-Nilou Lab
Classification: Benign for Muscular dystrophy-dystroglycanopathy (congenital with brain and eye anomalies), type A1. Last evaluated: 2021-10-25. Review status: criteria provided, single submitter. Criteria: ACMG Guidelines, 2015. Collection method: clinical testing. Allele origin: germline. Affected: no.

Genome-Nilou Lab
Classification: Benign for Muscular dystrophy-dystroglycanopathy (congenital with impaired intellectual development), type B, 1. Last evaluated: 2021-10-25. Review status: criteria provided, single submitter. Criteria: ACMG Guidelines, 2015. Collection method: clinical testing. Allele origin: germline. Affected: no.

Genome-Nilou Lab
Classification: Benign for Autosomal recessive limb-girdle muscular dystrophy type 2K. Last evaluated: 2021-10-25. Review status: criteria provided, single submitter. Criteria: ACMG Guidelines, 2015. Collection method: clinical testing. Allele origin: germline. Affected: no.

Laboratory for Molecular Medicine, Mass General Brigham Personalized Medicine
Classification: Benign. Last evaluated: 2014-11-26. Review status: criteria provided, single submitter. Criteria: LMM Criteria. Collection method: clinical testing. Allele origin: germline. Observed: 14 variant alleles.
Comment: This is a RefSeq error. The reference base (c.1113T) is the minor allele. This a llele (T) has been identified in 5% (411/8600) of European American chromosomes and 26% (1143/4406) of African American chromosomes by the NHLBI Exome Sequencin g Project (dbSNP rs3739494) and thus meets cr iteria to be classified as benign.

Eurofins Ntd Llc (ga)
Classification: Benign. Last evaluated: 2013-04-23. Review status: criteria provided, single submitter. Criteria: EGL Classification Definitions 2015. Collection method: clinical testing. Allele origin: germline. Observed: 79 variant alleles, 8 heterozygotes, 71 homozygotes.

Breakthrough Genomics
Classification: Benign. Review status: criteria provided, single submitter. Criteria: ACMG Guidelines, 2015. Collection method: not provided. Allele origin: germline. Inheritance: Autosomal recessive inheritance. Affected: yes.

Clinical Genetics DNA and cytogenetics Diagnostics Lab, Erasmus MC, Erasmus Medical Center
Classification: Benign. Review status: no assertion criteria provided. Collection method: clinical testing. Allele origin: germline. Affected: yes. Study: VKGL Data-share Consensus. Not counted in ClinVar's aggregate classification.

Clinical Genetics, Academic Medical Center
Classification: Benign. Review status: no assertion criteria provided. Collection method: clinical testing. Allele origin: germline. Affected: yes. Study: VKGL Data-share Consensus. Not counted in ClinVar's aggregate classification.

Diagnostic Laboratory, Department of Genetics, University Medical Center Groningen
Classification: Benign. Review status: no assertion criteria provided. Collection method: clinical testing. Allele origin: germline. Affected: yes. Study: VKGL Data-share Consensus. Not counted in ClinVar's aggregate classification.

NM_001077365.2(POMT1):c.1047T>C (p.Asp349=)

Gene: POMT1 (protein O-mannosyltransferase 1; plus strand). Cytogenetic location: 9q34.13.
Variant type: single nucleotide variant.
Coding change: c.1047T>C on transcript NM_001077365.2 (MANE Select); coding-DNA position 1047, T replaced by C.
Protein change: p.Asp349=; no amino-acid change (aspartic acid 349 retained).
Molecular consequence: synonymous variant. On other transcripts: non-coding transcript variant (10), intron variant (1).
Genome position (GRCh38, 1-based): chr9:131,512,101, T>C. VCF-style: chr9-131512101-T-C. GRCh37 (hg19) VCF-style: chr9-134387488-T-C.
Other names: c.885T>C, p.Asp295= (NM_001077366.2, NM_001353194.2); c.1047T>C, p.Asp349= (NM_001136113.2, NM_001374690.1); c.696T>C, p.Asp232= (NM_001136114.2, NM_001353195.2, NM_001374691.1 and 1 more transcripts); c.1113T>C, p.Asp371= (NM_001353193.2, NM_007171.4); c.957T>C, p.Asp319= (NM_001353196.2); c.951T>C, p.Asp317= (NM_001353197.2, NM_001353198.2); c.762T>C, p.Asp254= (NM_001353199.2); c.591T>C, p.Asp197= (NM_001353200.2); and 3 more.
Identifiers: ClinVar variation 167520 (VCV000167520.27), dbSNP rs3739494, ClinGen allele CA180334.